The following is an entry in ClinVar:

ClinVar aggregate classification (germline): Benign/Likely benign. Review status: criteria provided, multiple submitters, no conflicts (2 of 4 stars). 5 submissions from 5 submitters: Benign (3); Likely benign (1). 1 of the submissions does not count toward it. Last evaluated 2023-10-11.

Conditions:
Niemann-Pick disease, type B. Also called: Chronic Visceral ASMD (Niemann-Pick Disease Type B; NPD-B). Identifiers: Orphanet 77293, MedGen C0268243, MONDO:0011871, OMIM 607616. Disease mechanism: loss of function.
Niemann-Pick disease, type A. Also called: SPHINGOMYELIN LIPIDOSIS; SPHINGOMYELINASE DEFICIENCY; Infantile Neurovisceral ASMD (Niemann-Pick Disease Type A; NPD-A). Identifiers: Orphanet 77292, MedGen C0268242, MONDO:0009756, OMIM 257200. Disease mechanism: loss of function.

Submissions (5):

Labcorp Genetics (formerly Invitae), Labcorp
Classification: Benign for Niemann-Pick disease, type B; Niemann-Pick disease, type A. Last evaluated: 2023-10-11. Review status: criteria provided, single submitter. Criteria: Invitae Variant Classification Sherloc (09022015). Collection method: clinical testing. Allele origin: germline.

Mayo Clinic Laboratories, Mayo Clinic
Classification: Benign. Last evaluated: 2023-06-12. Review status: criteria provided, single submitter. Criteria: ACMG Guidelines, 2015. Collection method: clinical testing. Allele origin: germline. Observed: 4 variant alleles.
Comment: BS1, BS2

GeneDx
Classification: Likely benign. Last evaluated: 2020-10-13. Review status: criteria provided, single submitter. Criteria: GeneDx Variant Classification Process June 2021. Collection method: clinical testing. Allele origin: germline. Affected: yes.
Comment: See Variant Classification Assertion Criteria.

Dubai Health Genomic Medicine Center, Dubai Health
Classification: Benign. Last evaluated: 2020-02-02. Review status: criteria provided, single submitter. Criteria: ACMG Guidelines, 2015. Collection method: clinical testing. Allele origin: germline. Affected: yes.

Natera, Inc.
Classification: Benign for Niemann-Pick Disease, Types A/B. Last evaluated: 2017-08-25. Review status: no assertion criteria provided. Collection method: clinical testing. Allele origin: germline. Not counted in ClinVar's aggregate classification.

NM_000543.5(SMPD1):c.108_109insGCG (p.Val36_Leu37insAla)

Gene: SMPD1 (sphingomyelin phosphodiesterase 1; plus strand). Cytogenetic location: 11p15.4.
Variant type: Insertion.
Coding change: c.108_109insGCG on transcript NM_000543.5 (MANE Select); coding-DNA positions 108 to 109, GCG inserted.
Protein change: p.Val36_Leu37insAla.
Molecular consequence: inframe insertion. On other transcripts: 5 prime UTR variant (1), non-coding transcript variant (2).
Genome position: GRCh38 VCF-style: chr11-6390705-T-TGGC. GRCh37 (hg19) VCF-style: chr11-6411935-T-TGGC.
Other names: p.Val36_Leu37insAla; c.108_109insGCG, p.Val36_Leu37insAla (NM_001007593.3, NM_001318087.2, NM_001365135.2); c.-854_-853insGCG (NM_001318088.2); c.107_108insGGC (NM_000543.4).
Identifiers: ClinVar variation 529235 (VCV000529235.16), dbSNP rs775568984, ClinGen allele CA5852487.